The following is an entry in ClinVar:

NM_001130823.3(DNMT1):c.2387C>T (p.Thr796Met)

Gene: DNMT1 (DNA methyltransferase 1; minus strand). Cytogenetic location: 19p13.2.
Variant type: single nucleotide variant.
Coding change: c.2387C>T on transcript NM_001130823.3 (MANE Select); coding-DNA position 2387, C replaced by T.
Protein change: p.Thr796Met; replaces threonine 796 with methionine.
Molecular consequence: missense variant.
Genome position (GRCh38, 1-based): chr19:10,149,652, G>A on the plus strand (C>T on the coding strand, the complement: DNMT1 is on the minus strand). VCF-style: chr19-10149652-G-A. GRCh37 (hg19) VCF-style: chr19-10260328-G-A.
Other names: c.2387C>T (LRG_362t1, NM_001130823.2); c.2339C>T, p.Thr780Met (NM_001318730.2, NM_001379.4); c.2024C>T, p.Thr675Met (NM_001318731.2); short protein forms T796M, T780M, T675M.
Identifiers: ClinVar variation 500875 (VCV000500875.27), dbSNP rs148987580, ClinGen allele CA9188055.

ClinVar aggregate classification (germline): Conflicting classifications of pathogenicity. Review status: criteria provided, conflicting classifications (1 of 4 stars). 6 submissions from 6 submitters: Uncertain significance (3); Likely benign (3). Last evaluated 2026-06-04.

Conditions:
DNMT1-related disorder. Also called: DNMT1-related condition. Identifiers: MedGen CN381527.
Hereditary sensory neuropathy-deafness-dementia syndrome. Also called: NEUROPATHY, HEREDITARY SENSORY, WITH HEARING LOSS AND DEMENTIA; Hereditary sensory neuropathy type IE; HSN IE; Hereditary Sensory and Autonomic Neuropathy Type 1E (HSAN1E). Identifiers: Orphanet 456318, MedGen C3279885, MONDO:0013584, OMIM 614116.
Inborn genetic diseases. Identifiers: MedGen C0950123, MeSH D030342.

Allele frequency attached by ClinVar (database versions not stated): ExAC 0.00005; gnomAD 0.00005; gnomAD exomes 0.00005 and 0.00006; TOPMed 0.00008; ESP Exome Variant Server 0.00023.
gnomAD v4.1: 100 of 1,613,536 alleles (0.0062%); highest among the groups gnomAD compares: Non-Finnish European, 0.0081%; 1 homozygote.

Submissions (6):

PreventionGenetics, part of Exact Sciences
Classification: Uncertain significance for DNMT1-related condition. Last evaluated: 2026-06-04. Review status: criteria provided, single submitter. Criteria: ACMG Guidelines, 2015. Collection method: clinical testing. Allele origin: germline.
Comment: The DNMT1 c.2387C>T variant is predicted to result in the amino acid substitution p.Thr796Met. To our knowledge, this variant has not been reported in the literature. This variant is reported in 0.0093% of alleles in individuals of European (non-Finnish) descent in gnomAD, including one homozygote. Although we suspect that this variant may be benign, at this time, the clinical significance of this variant is uncertain due to the absence of conclusive functional and genetic evidence.

Labcorp Genetics (formerly Invitae), Labcorp
Classification: Likely benign for Hereditary sensory neuropathy-deafness-dementia syndrome. Last evaluated: 2025-12-08. Review status: criteria provided, single submitter. Criteria: Invitae Variant Classification Sherloc (09022015). Collection method: clinical testing. Allele origin: germline.

CeGaT Center for Human Genetics Tuebingen
Classification: Uncertain significance. Last evaluated: 2025-07-01. Review status: criteria provided, single submitter. Criteria: CeGaT Center For Human Genetics Tuebingen Variant Classification Criteria Version 2. Collection method: clinical testing. Allele origin: germline. Affected: yes. Observed: 1 variant allele.

Blueprint Genetics
Classification: Likely benign. Last evaluated: 2023-06-15. Review status: criteria provided, single submitter. Criteria: ACMG Guidelines, 2015. Collection method: clinical testing. Allele origin: germline.

Ambry Genetics
Classification: Likely benign for Inborn genetic diseases. Last evaluated: 2020-03-20. Review status: criteria provided, single submitter. Criteria: Ambry Variant Classification Scheme 2023. Collection method: clinical testing. Allele origin: germline.

Eurofins Ntd Llc (ga)
Classification: Uncertain significance. Last evaluated: 2018-05-17. Review status: criteria provided, single submitter. Criteria: EGL ClinVar v180209 classification definitions. Collection method: clinical testing. Allele origin: germline. Observed: 1 variant allele, 1 heterozygote.